The following is an entry in ClinVar:

NM_177438.3(DICER1):c.3799A>T (p.Thr1267Ser)

Gene: DICER1 (dicer 1, ribonuclease III; minus strand). Cytogenetic location: 14q32.13.
Variant type: single nucleotide variant.
Coding change: c.3799A>T on transcript NM_177438.3 (MANE Select); coding-DNA position 3799, A replaced by T.
Protein change: p.Thr1267Ser; replaces threonine 1267 with serine.
Molecular consequence: missense variant. On other transcripts: non-coding transcript variant (6).
Genome position (GRCh38, 1-based): chr14:95,103,597, T>A on the plus strand (A>T on the coding strand, the complement: DICER1 is on the minus strand). VCF-style: chr14-95103597-T-A. GRCh37 (hg19) VCF-style: chr14-95569934-T-A.
Other names: c.3394A>T, p.Thr1132Ser (NM_001395696.1, NM_001395687.1, NM_001395688.1 and 2 more transcripts); c.2116A>T, p.Thr706Ser (NM_001395697.1); c.3799A>T, p.Thr1267Ser (NM_030621.4, NM_001195573.1, NM_001271282.3 and 12 more transcripts); c.3517A>T, p.Thr1173Ser (NM_001395686.1); c.3232A>T, p.Thr1078Ser (NM_001395691.1); short protein forms T1078S, T706S, T1173S, T1132S, T1267S.
Identifiers: ClinVar variation 3653581 (VCV003653581.3).

ClinVar aggregate classification (germline): Uncertain significance. Review status: criteria provided, multiple submitters, no conflicts (2 of 4 stars). 2 submissions from 2 submitters: Uncertain significance (2). Last evaluated 2025-06-13.

Conditions:
DICER1-related tumor predisposition. Also called: DICER1-related pleuropulmonary blastoma cancer predisposition syndrome; DICER1 syndrome. Identifiers: Orphanet 284343, MedGen C3839822, MONDO:0100216.
Hereditary cancer-predisposing syndrome. Also called: Neoplastic Syndromes, Hereditary; Hereditary neoplastic syndrome; Tumor predisposition; Hereditary Cancer Syndrome. Identifiers: Orphanet 140162, MedGen C0027672, MeSH D009386, MONDO:0015356.

Submissions (2):

Ambry Genetics
Classification: Uncertain significance for Hereditary cancer-predisposing syndrome. Last evaluated: 2025-06-13. Review status: criteria provided, single submitter. Criteria: Ambry Variant Classification Scheme 2023. Collection method: clinical testing. Allele origin: germline.
Comment: The p.T1267S variant (also known as c.3799A>T), located in coding exon 20 of the DICER1 gene, results from an A to T substitution at nucleotide position 3799. The threonine at codon 1267 is replaced by serine, an amino acid with similar properties. This amino acid position is conserved. In addition, this alteration is predicted to be tolerated by in silico analysis. Based on the available evidence, the clinical significance of this variant remains unclear.

Labcorp Genetics (formerly Invitae), Labcorp
Classification: Uncertain significance for DICER1-related tumor predisposition. Last evaluated: 2024-05-16. Review status: criteria provided, single submitter. Criteria: Invitae Variant Classification Sherloc (09022015). Collection method: clinical testing. Allele origin: germline.
Comment: This sequence change replaces threonine, which is neutral and polar, with serine, which is neutral and polar, at codon 1267 of the DICER1 protein (p.Thr1267Ser). This variant is not present in population databases (gnomAD no frequency). This variant has not been reported in the literature in individuals affected with DICER1-related conditions. An algorithm developed to predict the effect of missense changes on protein structure and function (PolyPhen-2) suggests that this variant is likely to be tolerated. In summary, the available evidence is currently insufficient to determine the role of this variant in disease. Therefore, it has been classified as a Variant of Uncertain Significance.